The following is an entry in ClinVar:

NM_001267550.2(TTN):c.66769+5G>A

Genes: TTN-AS1 (TTN antisense RNA 1; plus strand), TTN (titin; minus strand). Cytogenetic location: 2q31.2.
Variant type: single nucleotide variant.
Coding change: c.66769+5G>A on transcript NM_001267550.2 (MANE Select); 5 bases into the intron after coding-DNA position 66769, G replaced by A.
Molecular consequence: intron variant.
Genome position (GRCh38, 1-based): chr2:178,581,494, C>T on the plus strand (G>A on the coding strand, the complement: TTN is on the minus strand). VCF-style: chr2-178581494-C-T. GRCh37 (hg19) VCF-style: chr2-179446221-C-T.
Other names: c.39574+5G>A (NM_003319.4); c.40150+5G>A (NM_133437.4); c.39949+5G>A (NM_133432.3); c.59065+5G>A (NM_133378.4); c.61846+5G>A (NM_001256850.1).
Identifiers: ClinVar variation 2953694 (VCV002953694.3), dbSNP rs2468985569, ClinGen allele CA2740096051.

ClinVar aggregate classification (germline): Uncertain significance (1 of 4 stars; one submission).

Conditions:
Autosomal recessive limb-girdle muscular dystrophy type 2J (LGMDR10). Also called: Limb-girdle muscular dystrophy, type 2J; MUSCULAR DYSTROPHY, LIMB-GIRDLE, AUTOSOMAL RECESSIVE 10. Identifiers: Orphanet 140922, MedGen C1837342, MONDO:0012127, OMIM 608807.
Dilated cardiomyopathy 1G (CMD1G). Identifiers: Orphanet 154, MedGen C1858763, MONDO:0011400, OMIM 604145.

Submission:

Labcorp Genetics (formerly Invitae), Labcorp
Classification: Uncertain significance for Dilated cardiomyopathy 1G; Autosomal recessive limb-girdle muscular dystrophy type 2J. Last evaluated: 2023-12-25. Review status: criteria provided, single submitter. Criteria: Invitae Variant Classification Sherloc (09022015). Collection method: clinical testing. Allele origin: germline.
Comment: This sequence change falls in intron 316 of the TTN gene. It does not directly change the encoded amino acid sequence of the TTN protein. It affects a nucleotide within the consensus splice site. This variant is not present in population databases (gnomAD no frequency). This variant has not been reported in the literature in individuals affected with TTN-related conditions. Variants that disrupt the consensus splice site are a relatively common cause of aberrant splicing (PMID: 17576681, 9536098). Algorithms developed to predict the effect of sequence changes on RNA splicing suggest that this variant may disrupt the consensus splice site. This variant is located in the A band of TTN (PMID: 25589632). Variants in this region may be relevant for cardiac or neuromuscular disorders (PMID: 25589632, 23975875). In summary, the available evidence is currently insufficient to determine the role of this variant in disease. Therefore, it has been classified as a Variant of Uncertain Significance.

Literature cited by the submitters: PubMed 17576681; PubMed 9536098; PubMed 25589632; PubMed 23975875.